The following is an entry in ClinVar:

NM_004523.4(KIF11):c.608C>T (p.Thr203Ile)

Gene: KIF11 (kinesin family member 11; plus strand). Cytogenetic location: 10q23.33.
Variant type: single nucleotide variant.
Coding change: c.608C>T on transcript NM_004523.4 (MANE Select); coding-DNA position 608, C replaced by T.
Protein change: p.Thr203Ile; replaces threonine 203 with isoleucine.
Molecular consequence: missense variant.
Genome position (GRCh38, 1-based): chr10:92,609,419, C>T. VCF-style: chr10-92609419-C-T. GRCh37 (hg19) VCF-style: chr10-94369176-C-T.
Other names: short protein forms T203I.
Identifiers: ClinVar variation 4882487 (VCV004882487.2).
Genomic context (GRCh38, chr10:92,609,419, plus strand): 5'-GGATGTTCTTTTGGTATTTTGGTCAGAGAGGAGTGATAATTAAAGGTTTAGAAGAAATTA[C>T]AGTACACAACAAGGATGAAGTCTATCAAATTTTAGAAAAGGGGGCAGCAAAAAGGACAAC-3'
Protein context (NP_004514.2, residues 193-213): GVIIKGLEEI[Thr203Ile]VHNKDEVYQI

ClinVar aggregate classification (germline): Uncertain significance (1 of 4 stars; one submission).

gnomAD v4.1: 1 of 1,612,076 alleles (0.000062%); highest among the groups gnomAD compares: Non-Finnish European, 0.000085%; no homozygotes.

Submission:

Dasa
Classification: Uncertain significance. Last evaluated: 2025-08-07. Review status: criteria provided, single submitter. Criteria: DASA Assertion Criteria. Collection method: clinical testing. Allele origin: germline.
Comment: NM_004523.4(KIF11):c.608C>T (p.Thr203Ile) is a missense variant that results in the substitution of threonine with isoleucine. This variant is rare in population databases. Computational prediction algorithms are consistent with a benign effect. The currently available literature and clinical evidence are not sufficient to establish a definitive association between this variant and the reported condition. Therefore, this variant is classified as a variant of uncertain significance.